The following is an entry in ClinVar:

ClinVar aggregate classification (germline): Uncertain significance (1 of 4 stars; one submission).

Submission:

Labcorp Genetics (formerly Invitae), Labcorp
Classification: Uncertain significance. Last evaluated: 2022-03-13. Review status: criteria provided, single submitter. Criteria: Invitae Variant Classification Sherloc (09022015). Collection method: clinical testing. Allele origin: germline.
Comment: This variant has not been reported in the literature in individuals affected with ADGRV1-related conditions. This sequence change replaces leucine, which is neutral and non-polar, with methionine, which is neutral and non-polar, at codon 2436 of the ADGRV1 protein (p.Leu2436Met). This variant is not present in population databases (gnomAD no frequency). Algorithms developed to predict the effect of missense changes on protein structure and function (SIFT, PolyPhen-2, Align-GVGD) all suggest that this variant is likely to be tolerated. In summary, the available evidence is currently insufficient to determine the role of this variant in disease. Therefore, it has been classified as a Variant of Uncertain Significance.

NM_032119.4(ADGRV1):c.7306C>A (p.Leu2436Met)

Gene: ADGRV1 (adhesion G protein-coupled receptor V1; plus strand). Cytogenetic location: 5q14.3.
Variant type: single nucleotide variant.
Coding change: c.7306C>A on transcript NM_032119.4 (MANE Select); coding-DNA position 7306, C replaced by A.
Protein change: p.Leu2436Met; replaces leucine 2436 with methionine.
Molecular consequence: missense variant. On other transcripts: non-coding transcript variant (1).
Genome position (GRCh38, 1-based): chr5:90,694,062, C>A. VCF-style: chr5-90694062-C-A. GRCh37 (hg19) VCF-style: chr5-89989879-C-A.
Other names: short protein forms L2436M.
Identifiers: ClinVar variation 2111338 (VCV002111338.4), dbSNP rs2530947445, ClinGen allele CA360376049.